The following is an entry in ClinVar:

NM_001388492.1(HTT):c.3908G>A (p.Arg1303Gln)

Gene: HTT (huntingtin; plus strand). Cytogenetic location: 4p16.3.
Variant type: single nucleotide variant.
Coding change: c.3908G>A on transcript NM_001388492.1 (MANE Select); coding-DNA position 3908, G replaced by A.
Protein change: p.Arg1303Gln; replaces arginine 1303 with glutamine.
Molecular consequence: missense variant.
Genome position (GRCh38, 1-based): chr4:3,172,363, G>A. VCF-style: chr4-3172363-G-A. GRCh37 (hg19) VCF-style: chr4-3174090-G-A.
Other names: c.3914G>A, p.Arg1305Gln (NM_002111.8); short protein forms R1303Q, R1305Q.
Identifiers: ClinVar variation 1345302 (VCV001345302.6), dbSNP rs1472029279, ClinGen allele CA356064280.
Genomic context (GRCh38, chr4:3,172,363, plus strand): 5'-CACTTGTCTTTCTACAGTGTGTTGAAGAGATCCTAGGATACCTGAAATCCTGCTTTAGTC[G>A]AGAACCAATGATGGCAACTGTTTGTGTTCAACAAGTAAGAGCTTCATTCTTTTCCTCTTC-3'
Protein context (NP_001375421.1, residues 1293-1313): ILGYLKSCFS[Arg1303Gln]EPMMATVCVQ

ClinVar aggregate classification (germline): Uncertain significance (1 of 4 stars; one submission).

Allele frequency attached by ClinVar (database versions not stated): gnomAD 0.00001 and 0.00002; gnomAD exomes 0.00002; TOPMed 0.00002.
gnomAD v4.1: 24 of 1,611,350 alleles (0.0015%); highest among the groups gnomAD compares: Admixed American, 0.0033%; no homozygotes.

Submission:

Labcorp Genetics (formerly Invitae), Labcorp
Classification: Uncertain significance. Last evaluated: 2021-04-17. Review status: criteria provided, single submitter. Criteria: Invitae Variant Classification Sherloc (09022015). Collection method: clinical testing. Allele origin: germline.
Comment: In summary, the available evidence is currently insufficient to determine the role of this variant in disease. Therefore, it has been classified as a Variant of Uncertain Significance. Experimental studies and prediction algorithms are not available or were not evaluated, and the functional significance of this variant is currently unknown. This variant has not been reported in the literature in individuals with HTT-related conditions. This variant is not present in population databases (ExAC no frequency). This sequence change replaces arginine with glutamine at codon 1305 of the HTT protein (p.Arg1305Gln). The arginine residue is moderately conserved and there is a small physicochemical difference between arginine and glutamine.